The following is an entry in ClinVar:

ClinVar aggregate classification (germline): Uncertain significance (1 of 4 stars; one submission).

Conditions:
Townes syndrome (TBS). Also called: Townes-Brocks syndrome. Identifiers: Orphanet 857, MedGen C0265246, MeSH C536974, MONDO:0007142.

Submission:

Labcorp Genetics (formerly Invitae), Labcorp
Classification: Uncertain significance for Townes syndrome. Last evaluated: 2024-08-13. Review status: criteria provided, single submitter. Criteria: Invitae Variant Classification Sherloc (09022015). Collection method: clinical testing. Allele origin: germline.
Comment: This sequence change replaces serine, which is neutral and polar, with isoleucine, which is neutral and non-polar, at codon 1227 of the SALL1 protein (p.Ser1227Ile). This variant is not present in population databases (gnomAD no frequency). This variant has not been reported in the literature in individuals affected with SALL1-related conditions. An algorithm developed to predict the effect of missense changes on protein structure and function (PolyPhen-2) suggests that this variant is likely to be tolerated. In summary, the available evidence is currently insufficient to determine the role of this variant in disease. Therefore, it has been classified as a Variant of Uncertain Significance.

NM_002968.3(SALL1):c.3680G>T (p.Ser1227Ile)

Gene: SALL1 (spalt like transcription factor 1; minus strand). Cytogenetic location: 16q12.1.
Variant type: single nucleotide variant.
Coding change: c.3680G>T on transcript NM_002968.3 (MANE Select); coding-DNA position 3680, G replaced by T.
Protein change: p.Ser1227Ile; replaces serine 1227 with isoleucine.
Molecular consequence: missense variant.
Genome position (GRCh38, 1-based): chr16:51,137,407, C>A on the plus strand (G>T on the coding strand, the complement: SALL1 is on the minus strand). VCF-style: chr16-51137407-C-A. GRCh37 (hg19) VCF-style: chr16-51171318-C-A.
Other names: c.3389G>T, p.Ser1130Ile (NM_001127892.2); short protein forms S1227I, S1130I.
Identifiers: ClinVar variation 3708437 (VCV003708437.2).